The following is an entry in ClinVar:

ClinVar aggregate classification (germline): Uncertain significance. Review status: criteria provided, multiple submitters, no conflicts (2 of 4 stars). 3 submissions from 3 submitters: Uncertain significance (3). Last evaluated 2025-06-23.

Conditions:
Inborn genetic diseases. Identifiers: MedGen C0950123, MeSH D030342.
EP300-related disorder. Also called: EP300-related condition; EP300-related disorders.
Rubinstein-Taybi syndrome due to EP300 haploinsufficiency. Also called: EP300-Related Rubinstein-Taybi Syndrome; RUBINSTEIN-TAYBI SYNDROME 2. Identifiers: Orphanet 353284, Orphanet 783, MedGen C3150941, MONDO:0013364, OMIM 613684.

Submissions (3):

Ambry Genetics
Classification: Uncertain significance for Inborn genetic diseases. Last evaluated: 2025-06-23. Review status: criteria provided, single submitter. Criteria: Ambry Variant Classification Scheme 2023. Collection method: clinical testing. Allele origin: germline.

PreventionGenetics, part of Exact Sciences
Classification: Uncertain significance for EP300-related condition. Last evaluated: 2024-12-18. Review status: criteria provided, single submitter. Criteria: ACMG Guidelines, 2015. Collection method: clinical testing. Allele origin: germline.
Comment: The EP300 c.1504G>A variant is predicted to result in the amino acid substitution p.Gly502Ser. To our knowledge, this variant has not been reported in the literature or in a large population database (gnomAD), indicating this variant is rare. At this time, the clinical significance of this variant is uncertain due to the absence of conclusive functional and genetic evidence.

Labcorp Genetics (formerly Invitae), Labcorp
Classification: Uncertain significance for Rubinstein-Taybi syndrome due to EP300 haploinsufficiency. Last evaluated: 2024-11-03. Review status: criteria provided, single submitter. Criteria: Invitae Variant Classification Sherloc (09022015). Collection method: clinical testing. Allele origin: germline.
Comment: This sequence change replaces glycine, which is neutral and non-polar, with serine, which is neutral and polar, at codon 502 of the EP300 protein (p.Gly502Ser). This variant is not present in population databases (gnomAD no frequency). This variant has not been reported in the literature in individuals affected with EP300-related conditions. Invitae Evidence Modeling of protein sequence and biophysical properties (such as structural, functional, and spatial information, amino acid conservation, physicochemical variation, residue mobility, and thermodynamic stability) indicates that this missense variant is not expected to disrupt EP300 protein function with a negative predictive value of 80%. In summary, the available evidence is currently insufficient to determine the role of this variant in disease. Therefore, it has been classified as a Variant of Uncertain Significance.

NM_001429.4(EP300):c.1504G>A (p.Gly502Ser)

Gene: EP300 (EP300 lysine acetyltransferase; plus strand). Cytogenetic location: 22q13.2.
Variant type: single nucleotide variant.
Coding change: c.1504G>A on transcript NM_001429.4 (MANE Select); coding-DNA position 1504, G replaced by A.
Protein change: p.Gly502Ser; replaces glycine 502 with serine.
Molecular consequence: missense variant.
Genome position (GRCh38, 1-based): chr22:41,131,609, G>A. VCF-style: chr22-41131609-G-A. GRCh37 (hg19) VCF-style: chr22-41527613-G-A.
Other names: c.1504G>A, p.Gly502Ser (NM_001362843.2); c.1504G>A (NM_001429.3); short protein forms G502S.
Identifiers: ClinVar variation 3719886 (VCV003719886.4).